The following is an entry in ClinVar:

ClinVar aggregate classification (germline): Uncertain significance. Review status: criteria provided, multiple submitters, no conflicts (2 of 4 stars). 2 submissions from 2 submitters: Uncertain significance (2). Last evaluated 2022-11-15.

Conditions:
Hereditary cancer-predisposing syndrome. Also called: Tumor predisposition; Neoplastic Syndromes, Hereditary; Hereditary neoplastic syndrome; Hereditary Cancer Syndrome. Identifiers: Orphanet 140162, MedGen C0027672, MeSH D009386, MONDO:0015356.
Ataxia-telangiectasia syndrome (AT). Also called: Ataxia-telangiectasia, complementation group D; AT, COMPLEMENTATION GROUP C; ATAXIA-TELANGIECTASIA, COMPLEMENTATION GROUP A; ATAXIA-TELANGIECTASIA, FRESNO VARIANT; Ataxia telangiectasia (A-T); Ataxia-telangiectasia. Identifiers: Orphanet 100, MedGen C0004135, MONDO:0008840, OMIM 208900.

Submissions (2):

Ambry Genetics
Classification: Uncertain significance for Hereditary cancer-predisposing syndrome. Last evaluated: 2022-11-15. Review status: criteria provided, single submitter. Criteria: Ambry Variant Classification Scheme 2023. Collection method: clinical testing. Allele origin: germline.
Comment: The p.A1138V variant (also known as c.3413C>T), located in coding exon 23 of the ATM gene, results from a C to T substitution at nucleotide position 3413. The alanine at codon 1138 is replaced by valine, an amino acid with similar properties. This amino acid position is conserved. In addition, this alteration is predicted to be tolerated by in silico analysis. Since supporting evidence is limited at this time, the clinical significance of this alteration remains unclear.

Labcorp Genetics (formerly Invitae), Labcorp
Classification: Uncertain significance for Ataxia-telangiectasia syndrome. Last evaluated: 2022-04-07. Review status: criteria provided, single submitter. Criteria: Invitae Variant Classification Sherloc (09022015). Collection method: clinical testing. Allele origin: germline.
Comment: This sequence change replaces alanine, which is neutral and non-polar, with valine, which is neutral and non-polar, at codon 1138 of the ATM protein (p.Ala1138Val). In summary, the available evidence is currently insufficient to determine the role of this variant in disease. Therefore, it has been classified as a Variant of Uncertain Significance. Advanced modeling of protein sequence and biophysical properties (such as structural, functional, and spatial information, amino acid conservation, physicochemical variation, residue mobility, and thermodynamic stability) performed at Invitae indicates that this missense variant is not expected to disrupt ATM protein function. This variant has not been reported in the literature in individuals affected with ATM-related conditions. This variant is not present in population databases (gnomAD no frequency).

NM_000051.4(ATM):c.3413C>T (p.Ala1138Val)

Gene: ATM (ATM serine/threonine kinase; plus strand). Cytogenetic location: 11q22.3.
Variant type: single nucleotide variant.
Coding change: c.3413C>T on transcript NM_000051.4 (MANE Select); coding-DNA position 3413, C replaced by T.
Protein change: p.Ala1138Val; replaces alanine 1138 with valine.
Molecular consequence: missense variant.
Genome position (GRCh38, 1-based): chr11:108,281,005, C>T. VCF-style: chr11-108281005-C-T. GRCh37 (hg19) VCF-style: chr11-108151732-C-T.
Other names: c.3413C>T, p.Ala1138Val (NM_001351834.2); short protein forms A1138V.
Identifiers: ClinVar variation 2094580 (VCV002094580.6), dbSNP rs1565441399, ClinGen allele CA382518879.
Genomic context (GRCh38, chr11:108,281,005, plus strand): 5'-GTTAAACATTTACATTTTACATTACATTTTTTTTTTAATTTCTTTTTAAGTCCCATAGTG[C>T]TGAGAACCCTGAAACTTTGGATGAAATTTATAATAGAAAATCTGTTTTACTGACGTTGAT-3'
Protein context (NP_000042.3, residues 1128-1148): QEGMREMSHS[Ala1138Val]ENPETLDEIY